The following is an entry in ClinVar:

ClinVar aggregate classification (germline): Likely pathogenic (1 of 4 stars; one submission).

Submission:

GeneDx
Classification: Likely pathogenic. Last evaluated: 2013-10-14. Review status: criteria provided, single submitter. Criteria: GeneDx Variant Classification (06012015). Collection method: clinical testing. Allele origin: germline. Affected: yes.
Comment: A novel D138G missense change likely associated with HH was identified in the GNRHR gene. It has not been published as a pathogenic variant, nor has it been reported as a benign polymorphism to our knowledge. An external variant database reports D138G was not observed in approximately 6,500 samples from individuals of European and African American backgrounds, indicating it is not a common benign variant in these populations. The D138G variant is a non-conservative amino acid substitution as it results in the replacement of a polar Aspartic acid residue with a non-polar glycine residue at a position that is highly conserved across species. Additionally, multiple in silico algorithms predict D138G is a damaging change. Missense variants in an adjacent codon (R139C, R139H) have been reported in the literature in association with HH, according to the Human Gene Mutation Database. Therefore, D138G is a strong candidate for a pathogenic variant, however the possibility that it is a benign variant cannot be excluded.

NM_000406.3(GNRHR):c.413A>G (p.Asp138Gly)

Gene: GNRHR (gonadotropin releasing hormone receptor; minus strand). Cytogenetic location: 4q13.2.
Variant type: single nucleotide variant.
Coding change: c.413A>G on transcript NM_000406.3 (MANE Select); coding-DNA position 413, A replaced by G.
Protein change: p.Asp138Gly; replaces aspartic acid 138 with glycine.
Molecular consequence: missense variant.
Genome position (GRCh38, 1-based): chr4:67,753,923, T>C on the plus strand (A>G on the coding strand, the complement: GNRHR is on the minus strand). VCF-style: chr4-67753923-T-C. GRCh37 (hg19) VCF-style: chr4-68619641-T-C.
Other names: c.413A>G, p.Asp138Gly (NM_001012763.2); short protein forms D138G.
Identifiers: ClinVar variation 418236 (VCV000418236.2), dbSNP rs1064793140, ClinGen allele CA16618053.